The following is an entry in ClinVar:

NM_022455.5(NSD1):c.3063_3064del (p.Cys1021fs)

Gene: NSD1 (nuclear receptor binding SET domain protein 1; plus strand). Cytogenetic location: 5q35.3.
Variant type: Microsatellite.
Coding change: c.3063_3064del on transcript NM_022455.5 (MANE Select); coding-DNA positions 3063 to 3064, 2 bases deleted (TG; older notation c.3063_3064delTG).
Protein change: p.Cys1021fs; shifts the reading frame from cysteine 1021.
Molecular consequence: frameshift variant.
Genome position (GRCh38, 1-based): chr5:177,211,462-177,211,463, TG deleted; deleting any 2 consecutive bases within chr5:177,211,460-177,211,463 gives the same sequence; the c. name uses the placement nearest the transcript's 3' end. VCF-style (leftmost placement, unchanged base first): chr5-177211459-CTG-C. GRCh37 (hg19) VCF-style: chr5-176638460-CTG-C.
Other names: c.2188_2189TG[1], p.Cys730Trpfs (NM_001365684.2, NM_001409306.1, NM_001409307.1 and 3 more transcripts); c.3061_3062TG[1], p.Cys1021Trpfs (NM_001409301.1, NM_001409302.1, NM_001409303.1); c.2641_2642TG[1], p.Cys881Trpfs (NM_001409304.1); c.2308_2309TG[1], p.Cys770Trpfs (NM_001409305.1); short protein forms C1021fs, C752fs.
Identifiers: ClinVar variation 2034010 (VCV002034010.4), dbSNP rs2480461245, ClinGen allele CA2580614804.

ClinVar aggregate classification (germline): Pathogenic (1 of 4 stars; one submission).

Submission:

Labcorp Genetics (formerly Invitae), Labcorp
Classification: Pathogenic. Last evaluated: 2022-10-04. Review status: criteria provided, single submitter. Criteria: Invitae Variant Classification Sherloc (09022015). Collection method: clinical testing. Allele origin: germline.
Comment: For these reasons, this variant has been classified as Pathogenic. This variant has not been reported in the literature in individuals affected with NSD1-related conditions. This variant is not present in population databases (gnomAD no frequency). This sequence change creates a premature translational stop signal (p.Cys1021Trpfs*25) in the NSD1 gene. It is expected to result in an absent or disrupted protein product. Loss-of-function variants in NSD1 are known to be pathogenic (PMID: 12464997, 14571271, 15942875, 16247291).

Literature cited by the submitters: PubMed 12464997; PubMed 14571271; PubMed 15942875; PubMed 16247291.